The following is an entry in ClinVar:

ClinVar aggregate classification (germline): Conflicting classifications of pathogenicity. Review status: criteria provided, conflicting classifications (1 of 4 stars). 3 submissions from 3 submitters: Uncertain significance (2); Likely benign (1). Last evaluated 2026-01-26.

Conditions:
Microcephaly-thin corpus callosum-intellectual disability syndrome (NEDFCF). Also called: NEURODEVELOPMENTAL DISORDER WITH FEEDING DIFFICULTIES, THIN CORPUS CALLOSUM, AND FOOT DEFORMITY; Intellectual developmental disorder, autosomal recessive 40. Identifiers: Orphanet 397951, MedGen C3810080, MONDO:0014273, OMIM 615599.

Allele frequency attached by ClinVar (database versions not stated): gnomAD exomes 0.00048 and 0.00021; 1000 Genomes Project 30x 0.00062; gnomAD 0.00012; 1000 Genomes Project 0.00060; ExAC 0.00060; TOPMed 0.00003.
gnomAD v4.1: 321 of 1,613,978 alleles (0.02%); highest among the groups gnomAD compares: South Asian, 0.33%; 4 homozygotes.

Submissions (3):

Labcorp Genetics (formerly Invitae), Labcorp
Classification: Likely benign. Last evaluated: 2026-01-26. Review status: criteria provided, single submitter. Criteria: Invitae Variant Classification Sherloc (09022015). Collection method: clinical testing. Allele origin: germline.

Genetic Services Laboratory, University of Chicago
Classification: Uncertain significance. Last evaluated: 2019-06-24. Review status: criteria provided, single submitter. Criteria: ACMG Guidelines, 2015. Collection method: clinical testing. Allele origin: germline. Affected: no.

Neuberg Centre For Genomic Medicine, NCGM
Classification: Uncertain significance for Microcephaly-thin corpus callosum-intellectual disability syndrome. Review status: criteria provided, single submitter. Criteria: ACMG Guidelines, 2015. Collection method: clinical testing. Allele origin: germline. Inheritance: Autosomal recessive inheritance. Affected: yes.
Comment: The missense variant c.3320T>G (p.Leu1107Arg) TAF2 gene has not been reported previously as a pathogenic variant nor as a benign variant, to our knowledge. The p.Leu1107Arg variant has allele frequency 0.04% in gnomAD exomes and novel in 1000 Genomes. This variant has been reported to the ClinVar database as Uncertain Significance. The amino acid Leu at position 1107 is changed to a Arg changing protein sequence and it might alter its composition and physico-chemical properties. The amino acid change p.Leu1107Arg in TAF2 is predicted as conserved by GERP++ and PhyloP across 100 vertebrates. For these reasons, this variant has been classified as Uncertain Significance (VUS).

NM_003184.4(TAF2):c.3320T>G (p.Leu1107Arg)

Gene: TAF2 (TATA-box binding protein associated factor 2; minus strand). Cytogenetic location: 8q24.12.
Variant type: single nucleotide variant.
Coding change: c.3320T>G on transcript NM_003184.4 (MANE Select); coding-DNA position 3320, T replaced by G.
Protein change: p.Leu1107Arg; replaces leucine 1107 with arginine.
Molecular consequence: missense variant.
Genome position (GRCh38, 1-based): chr8:119,742,551, A>C on the plus strand (T>G on the coding strand, the complement: TAF2 is on the minus strand). VCF-style: chr8-119742551-A-C. GRCh37 (hg19) VCF-style: chr8-120754791-A-C.
Other names: short protein forms L1107R.
Identifiers: ClinVar variation 1337261 (VCV001337261.14), dbSNP rs546468025, ClinGen allele CA4856826.